The following is an entry in ClinVar:

NM_032043.3(BRIP1):c.280G>T (p.Asp94Tyr)

Gene: BRIP1 (BRCA1 interacting DNA helicase 1; minus strand). Cytogenetic location: 17q23.2.
Variant type: single nucleotide variant.
Coding change: c.280G>T on transcript NM_032043.3 (MANE Select); coding-DNA position 280, G replaced by T.
Protein change: p.Asp94Tyr; replaces aspartic acid 94 with tyrosine.
Molecular consequence: missense variant.
Genome position (GRCh38, 1-based): chr17:61,857,157, C>A on the plus strand (G>T on the coding strand, the complement: BRIP1 is on the minus strand). VCF-style: chr17-61857157-C-A. GRCh37 (hg19) VCF-style: chr17-59934518-C-A.
Other names: short protein forms D94Y.
Identifiers: ClinVar variation 3759039 (VCV003759039.2).
Genomic context (GRCh38, chr17:61,857,157, plus strand): 5'-GTGTGCTTGGATAGTTGAAATGACGTGAAGTTCCTTGGTTCATGTCATTGTTTGTAAAAT[C>A]CTTTGAATGGCATGCACAACAACATGACAATTGTACTTCAGCTTTTTCACTTACGCCCTC-3'
Protein context (NP_114432.2, residues 84-104): LSCCCACHSK[Asp94Tyr]FTNNDMNQGT

ClinVar aggregate classification (germline): Uncertain significance (1 of 4 stars; one submission).

Conditions:
Fanconi anemia complementation group J. Also called: BRIP1-Related Fanconi Anemia. Identifiers: Orphanet 84, MedGen C1836860, MONDO:0012187, OMIM 609054.
Familial cancer of breast. Also called: BREAST CANCER, FAMILIAL; Hereditary breast cancer; hereditary breast carcinoma. Identifiers: Orphanet 227535, MedGen C0346153, MONDO:0016419, OMIM 114480. Disease mechanism: loss of function.

Submission:

Labcorp Genetics (formerly Invitae), Labcorp
Classification: Uncertain significance for Familial cancer of breast; Fanconi anemia complementation group J. Last evaluated: 2024-10-21. Review status: criteria provided, single submitter. Criteria: Invitae Variant Classification Sherloc (09022015). Collection method: clinical testing. Allele origin: germline.
Comment: This sequence change replaces aspartic acid, which is acidic and polar, with tyrosine, which is neutral and polar, at codon 94 of the BRIP1 protein (p.Asp94Tyr). This variant is not present in population databases (gnomAD no frequency). This variant has not been reported in the literature in individuals affected with BRIP1-related conditions. Invitae Evidence Modeling of protein sequence and biophysical properties (such as structural, functional, and spatial information, amino acid conservation, physicochemical variation, residue mobility, and thermodynamic stability) indicates that this missense variant is not expected to disrupt BRIP1 protein function with a negative predictive value of 95%. In summary, the available evidence is currently insufficient to determine the role of this variant in disease. Therefore, it has been classified as a Variant of Uncertain Significance.